The following is an entry in ClinVar:

ClinVar aggregate classification (germline): Likely benign. Review status: criteria provided, single submitter (1 of 4 stars). 2 submissions from 2 submitters: Likely benign (1). 1 of the submissions does not count toward it. Last evaluated 2024-10-10.

Conditions:
FLAD1-related disorder. Also called: FLAD1-related condition.

Allele frequency attached by ClinVar (database versions not stated): ESP Exome Variant Server 0.00008; TOPMed 0.00023; 1000 Genomes Project 0.00040; 1000 Genomes Project 30x 0.00047; gnomAD exomes 0.00001; gnomAD 0.00022.
gnomAD v4.1: 54 of 1,614,070 alleles (0.0033%); highest among the groups gnomAD compares: African/African-American, 0.071%; no homozygotes.

Submissions (2):

Labcorp Genetics (formerly Invitae), Labcorp
Classification: Likely benign. Last evaluated: 2024-10-10. Review status: criteria provided, single submitter. Criteria: Invitae Variant Classification Sherloc (09022015). Collection method: clinical testing. Allele origin: germline.

PreventionGenetics, part of Exact Sciences
Classification: Likely benign for FLAD1-related condition. Last evaluated: 2020-01-02. Review status: no assertion criteria provided. Collection method: clinical testing. Allele origin: germline. Not counted in ClinVar's aggregate classification.
Comment: This variant is classified as likely benign based on ACMG/AMP sequence variant interpretation guidelines (Richards et al. 2015 PMID: 25741868, with internal and published modifications).

NM_025207.5(FLAD1):c.1629-10C>G

Gene: FLAD1 (flavin adenine dinucleotide synthetase 1; plus strand). Cytogenetic location: 1q21.3.
Variant type: single nucleotide variant.
Coding change: c.1629-10C>G on transcript NM_025207.5 (MANE Select); 10 bases into the intron before coding-DNA position 1629, C replaced by G.
Molecular consequence: intron variant. On other transcripts: 3 prime UTR variant (1).
Genome position (GRCh38, 1-based): chr1:154,992,892, C>G. VCF-style: chr1-154992892-C-G. GRCh37 (hg19) VCF-style: chr1-154965368-C-G.
Other names: c.1629-10C>G (NM_025207.4); c.*102C>G (NM_001184891.2); c.1338-10C>G (NM_201398.3).
Identifiers: ClinVar variation 2057953 (VCV002057953.5), dbSNP rs377174835, ClinGen allele CA1134654.